The following is an entry in ClinVar:

ClinVar aggregate classification (germline): Uncertain significance (1 of 4 stars; one submission).

gnomAD v4.1: 13 of 1,154,351 alleles (0.0011%); highest among the groups gnomAD compares: African/African-American, 0.019%; no homozygotes.

Submission:

Ambry Genetics
Classification: Uncertain significance. Last evaluated: 2025-11-08. Review status: criteria provided, single submitter. Criteria: Ambry Variant Classification Scheme 2023. Collection method: clinical testing. Allele origin: germline.
Comment: The c.371A>C (p.D124A) alteration is located in exon 4 (coding exon 4) of the MAOB gene. This alteration results from a A to C substitution at nucleotide position 371, causing the aspartic acid (D) at amino acid position 124 to be replaced by an alanine (A). Based on data from gnomAD, the C allele has an overall frequency of 0.001% (2/161177) total alleles studied. The highest observed frequency was 0.012% (2/16595) of African alleles. Based on insufficient or conflicting evidence, the clinical significance of this alteration remains unclear.

NM_000898.5(MAOB):c.371A>C (p.Asp124Ala)

Gene: MAOB (monoamine oxidase B; minus strand). Cytogenetic location: Xp11.3.
Variant type: single nucleotide variant.
Coding change: c.371A>C on transcript NM_000898.5 (MANE Select); coding-DNA position 371, A replaced by C.
Protein change: p.Asp124Ala; replaces aspartic acid 124 with alanine.
Molecular consequence: missense variant.
Genome position (GRCh38, 1-based): chrX:43,803,313, T>G on the plus strand (A>C on the coding strand, the complement: MAOB is on the minus strand). VCF-style: chrX-43803313-T-G. GRCh37 (hg19) VCF-style: chrX-43662560-T-G.
Other names: short protein forms D124A.
Identifiers: ClinVar variation 4549229 (VCV004549229.1).